The following is an entry in ClinVar:

ClinVar aggregate classification (germline): Conflicting classifications of pathogenicity. Review status: criteria provided, conflicting classifications (1 of 4 stars). 20 submissions from 19 submitters: Uncertain significance (4); Likely benign (8). 8 of the submissions do not count toward it. Last evaluated 2026-01-26.

Conditions:
Cardiovascular phenotype. Identifiers: MedGen CN230736.
KCNE2-related disorder. Also called: KCNE2-Related Disorders; KCNE2-related condition. Identifiers: MedGen CN239320.
Cardiac arrhythmia. Also called: Cardiac rhythm disease; Arrhythmia. Identifiers: MedGen C0003811, MONDO:0007263, HP:0011675.
Atrial fibrillation, familial, 4 (ATFB4). Identifiers: MedGen C1862394, MONDO:0012677, OMIM 611493.
Long QT syndrome 6 (LQT6). Identifiers: Orphanet 101016, Orphanet 768, MedGen C3150953, MONDO:0013370, OMIM 613693.

Allele frequency attached by ClinVar (database versions not stated): gnomAD exomes 0.00061 and 0.00105; 1000 Genomes Project 30x 0.00062; gnomAD 0.00063 and 0.00066; 1000 Genomes Project 0.00080; ExAC 0.00088; TOPMed 0.00102.
gnomAD v4.1: 1,057 of 1,614,210 alleles (0.065%); highest among the groups gnomAD compares: Middle Eastern, 1.5%; 5 homozygotes.

Submissions 1 to 14 of 20:

Labcorp Genetics (formerly Invitae), Labcorp
Classification: Likely benign for Long QT syndrome 6. Last evaluated: 2026-01-26. Review status: criteria provided, single submitter. Criteria: Invitae Variant Classification Sherloc (09022015). Collection method: clinical testing. Allele origin: germline.

Molecular Diagnostic Laboratory for Inherited Cardiovascular Disease, Montreal Heart Institute
Classification: Uncertain significance for Cardiovascular phenotype. Last evaluated: 2025-04-09. Review status: criteria provided, single submitter. Criteria: ACMG Guidelines, 2015. Collection method: clinical testing. Allele origin: germline. Affected: yes.

Blueprint Genetics
Classification: Likely benign. Last evaluated: 2024-11-05. Review status: criteria provided, single submitter. Criteria: ACMG Guidelines, 2015. Collection method: clinical testing. Allele origin: germline.

GeneDx
Classification: Likely benign. Last evaluated: 2020-11-18. Review status: criteria provided, single submitter. Criteria: GeneDx Variant Classification Process June 2021. Collection method: clinical testing. Allele origin: germline. Affected: yes.
Comment: This variant is associated with the following publications: (PMID: 22378279, 10219239, 24796621, 24144883, 24055113, 25637381, 19841298, 20042375, 16922724, 19716085, 23382499, 10984545, 25696450, 19863579, 26159999, 24606995, 23098067, 19862833, 11101505, 11034315, 28341588, 27595200, 27884173, 29672598, 29032884, 28794082, 30986657, 31019283, 31320904, 31737537, 30847666)

Centre for Mendelian Genomics, University Medical Centre Ljubljana
Classification: Uncertain significance for Long QT syndrome 6. Last evaluated: 2019-01-24. Review status: criteria provided, single submitter. Criteria: ACMG Guidelines, 2015. Collection method: clinical testing. Allele origin: unknown. Affected: yes.
Comment: This variant was classified as: Uncertain significance. The available evidence on this variant's pathogenicity is insufficient or conflicting. The following ACMG criteria were applied in classifying this variant: BS1.

Ambry Genetics
Classification: Likely benign for Cardiovascular phenotype. Last evaluated: 2018-12-10. Review status: criteria provided, single submitter. Criteria: Ambry Variant Classification Scheme 2023. Collection method: clinical testing. Allele origin: germline.

Equipe Genetique des Anomalies du Developpement, Université de Bourgogne
Classification: Uncertain significance for Long QT syndrome 6. Last evaluated: 2018-11-21. Review status: criteria provided, single submitter. Criteria: ACMG Guidelines, 2015. Collection method: clinical testing. Allele origin: unknown.

MVZ Martinsried, Medicover Genetics
Classification: Uncertain significance for Long QT syndrome 6. Last evaluated: 2017-11-27. Review status: criteria provided, single submitter. Criteria: ACMG Guidelines, 2015. Collection method: clinical testing. Allele origin: unknown. Affected: yes.

Women's Health and Genetics/Laboratory Corporation of America, LabCorp
Classification: Likely benign. Last evaluated: 2017-05-01. Review status: criteria provided, single submitter. Criteria: LabCorp Variant Classification Summary - May 2015. Collection method: clinical testing. Allele origin: germline.
Comment: Variant summary: The KCNE2 c.170T>C (p.Ile57Thr) variant involves the alteration of a conserved nucleotide, resulting in a missense change of Ile57 which is located in a predicted transmembrane domain. 5/5 in silico tools predict a damaging outcome for this variant, and functional studies indicate that this variant compromises function: 1) I57T-hMiRP1 diminished potassium flux through MiRP1/HERG channel complexes (Abbott_Cell_1999), 2) KCNE2-I57T decreased the rate of activation of the KCNQ1 current, abolished the hump of the tail currents upon repolarization, accelerated the deactivation process (127ms vs 552ms for WT), and shifted the voltage dependency of the channel activation towards more depolarized potentials (Tinel_EMBO_200), and 3) KCNQ2+KCNE2-I57T had a significantly increased (227ms vs 156ms for WT) time constant of deactivation (no significant change in time constant of activation), while KCNQ2+KCNQ3+KCNE2-I57T significantly decreased (68.0ms vs 99.5ms for WT) the time constant of activation (no significant change in time constant of deactivation; Tinel_FEBS_2000). However the variant 1) did not reduce mean current density of hMiRP1-Kv2.1 channels, 2) had no significant effect on V1/2 activation (McCrossan_J Membr Biol_2009), and 3) had the same sensitivity to oxatomide as wild type, thus the variant did not alter sensitivity to drug inhibition (Sesti_PNAS_2000). Furthermore, it has not been established if these quantitative and qualitative functional observations are sufficient to induce arrhythmia in the absence of other precipitating factors; therefore, this variant may only be a risk allele. This variant was found in 107/125050 control chromosomes (including one homozygote) including ExAC at a frequency of 0.0008557, which is approximately 128 times the estimated maximal expected allele frequency of a pathogenic KCNE2 variant (0.0000067), suggesting this variant is likely a benign polymorphism. This variant has been reported in many patients with LQTS and two reports of patients with drug induced LQTS, but majority of reports in the literature do not provide co-segregation data. The variant was reported in a patient with LQTS and neonatal seizures who also carried another pathogenic variant SCN5A R1623Q and the unaffected father, brother, and sister did not carry this KCNE2 c.170T>C variant, suggesting that this variant was not causative in this family (Heron_Epilepsia_2010). In another family with 5 affected WolffParkinsonWhite (WPW) syndrome, this variant was found in only 2 affected and also in 4 unaffected family members; a pathogenic MYH6 variant was found to co-segregate with disease in this family as well, thus suggesting that KCNE2 c.170T>C was not causative in this family (Bowels_AJMG_2015). In addition, two patients with primary electrical disease also carried another VUS, ANK2 p.His931Gln and CACNB2 p.Ala340Thr, respectively (Proost_2017). The variant is reported with conflicting classifications from multiple clinical diagnostic laboratories or databases, with the most recent reports being VUS and likely benign (2016). Recently, this variant was observed in six homozygotes who did not express phenotype from Saudi Human Genome Program (Abouelhoda_GenomeBiology_2016). Taken together, this the variant was classified as likely benign.

Illumina Laboratory Services, Illumina
Classification: Likely benign for Atrial fibrillation, familial, 4. Last evaluated: 2017-04-27. Review status: criteria provided, single submitter. Criteria: ICSL Variant Classification Criteria 13 December 2019. Collection method: clinical testing. Allele origin: germline.
Comment: This variant was observed as part of a predisposition screen in an ostensibly healthy population. A literature search was performed for the gene, cDNA change, and amino acid change (where applicable). Publications were found based on this search. The evidence from the literature, in combination with allele frequency data from public databases where available, was sufficient to determine this variant is unlikely to cause disease. Therefore, this variant is classified as likely benign.

Illumina Laboratory Services, Illumina
Classification: Likely benign for Long QT syndrome 6. Last evaluated: 2017-04-27. Review status: criteria provided, single submitter. Criteria: ICSL Variant Classification Criteria 13 December 2019. Collection method: clinical testing. Allele origin: germline.
Comment: the same text as in the submission from Illumina Laboratory Services, Illumina above.

Biesecker Lab/Clinical Genomics Section, National Institutes of Health
Classification: Likely benign for Cardiac arrhythmia. Last evaluated: 2013-06-24. Review status: criteria provided, single submitter. Criteria: Ng et al. (Circ Cardiovasc Genet. 2013). Collection method: research. Allele origin: unknown. Observed: 2 variant alleles. Study: ClinSeq.
Comment: The study set was not selected for affection status in relation to any cancer. Pathogenicity categories were based on literature curation. See Pubmed ID:23861362 for details.

Medical sequencing

PreventionGenetics, part of Exact Sciences
Classification: Likely benign for KCNE2-related condition. Last evaluated: 2022-02-24. Review status: no assertion criteria provided. Collection method: clinical testing. Allele origin: germline. Not counted in ClinVar's aggregate classification.
Comment: This variant is classified as likely benign based on ACMG/AMP sequence variant interpretation guidelines (Richards et al. 2015 PMID: 25741868, with internal and published modifications).

Bioscientia Institut fuer Medizinische Diagnostik GmbH, Sonic Healthcare
Classification: Uncertain significance for Long QT syndrome 6. Last evaluated: 2019-06-25. Review status: no assertion criteria provided. Collection method: clinical testing. Allele origin: germline. Affected: yes. Not counted in ClinVar's aggregate classification.

NM_172201.2(KCNE2):c.170T>C (p.Ile57Thr)

Genes: KCNE2 (potassium voltage-gated channel subfamily E regulatory subunit 2; plus strand), LOC105372791 (uncharacterized LOC105372791; minus strand). Cytogenetic location: 21q22.11.
Variant type: single nucleotide variant.
Coding change: c.170T>C on transcript NM_172201.2 (MANE Select); coding-DNA position 170, T replaced by C.
Protein change: p.Ile57Thr; replaces isoleucine 57 with threonine.
Molecular consequence: missense variant.
Genome position (GRCh38, 1-based): chr21:34,370,648, T>C. VCF-style: chr21-34370648-T-C. GRCh37 (hg19) VCF-style: chr21-35742947-T-C.
Other names: p.I57T:ATT>ACT; c.170T>C (LRG_291t1); short protein forms I57T.
Identifiers: ClinVar variation 6054 (VCV000006054.36), dbSNP rs74315448, ClinGen allele CA218805.
Genomic context (GRCh38, chr21:34,370,648, plus strand): 5'-TCCAAGCCAAAGTTGATGCTGAGAACTTCTACTATGTCATCCTGTACCTCATGGTGATGA[T>C]TGGAATGTTCTCTTTCATCATCGTGGCCATCCTGGTGAGCACTGTGAAATCCAAGAGACG-3'
Protein context (NP_751951.1, residues 47-67): YYVILYLMVM[Ile57Thr]GMFSFIIVAI